The following is an entry in ClinVar:

ClinVar aggregate classification (germline): Uncertain significance (1 of 4 stars; one submission).

Allele frequency attached by ClinVar (database versions not stated): gnomAD exomes below 0.00001; gnomAD 0.00001; TOPMed 0.00002.
gnomAD v4.1: 2 of 1,614,052 alleles (0.00012%); highest among the groups gnomAD compares: African/African-American, 0.0027%; no homozygotes.

Submission:

Labcorp Genetics (formerly Invitae), Labcorp
Classification: Uncertain significance. Last evaluated: 2022-03-01. Review status: criteria provided, single submitter. Criteria: Invitae Variant Classification Sherloc (09022015). Collection method: clinical testing. Allele origin: germline.
Comment: In summary, the available evidence is currently insufficient to determine the role of this variant in disease. Therefore, it has been classified as a Variant of Uncertain Significance. Advanced modeling of protein sequence and biophysical properties (such as structural, functional, and spatial information, amino acid conservation, physicochemical variation, residue mobility, and thermodynamic stability) performed at Invitae indicates that this missense variant is not expected to disrupt PCDH12 protein function. This variant has not been reported in the literature in individuals affected with PCDH12-related conditions. This variant is not present in population databases (gnomAD no frequency). This sequence change replaces proline, which is neutral and non-polar, with alanine, which is neutral and non-polar, at codon 615 of the PCDH12 protein (p.Pro615Ala).

NM_016580.4(PCDH12):c.1843C>G (p.Pro615Ala)

Genes: PCDH12 (protocadherin 12; minus strand), RNF14 (ring finger protein 14; plus strand). Cytogenetic location: 5q31.3.
Variant type: single nucleotide variant.
Coding change: c.1843C>G on transcript NM_016580.4 (MANE Select); coding-DNA position 1843, C replaced by G.
Protein change: p.Pro615Ala; replaces proline 615 with alanine.
Molecular consequence: missense variant.
Genome position (GRCh38, 1-based): chr5:141,956,009, G>C on the plus strand (C>G on the coding strand, the complement: PCDH12 is on the minus strand). VCF-style: chr5-141956009-G-C. GRCh37 (hg19) VCF-style: chr5-141335574-G-C.
Other names: short protein forms P615A.
Identifiers: ClinVar variation 1956007 (VCV001956007.5), dbSNP rs1483212863, ClinGen allele CA361581732.